The following is an entry in ClinVar:

NM_001429.4(EP300):c.2114G>A (p.Arg705Gln)

Gene: EP300 (EP300 lysine acetyltransferase; plus strand). Cytogenetic location: 22q13.2.
Variant type: single nucleotide variant.
Coding change: c.2114G>A on transcript NM_001429.4 (MANE Select); coding-DNA position 2114, G replaced by A.
Protein change: p.Arg705Gln; replaces arginine 705 with glutamine.
Molecular consequence: missense variant. On other transcripts: intron variant (1).
Genome position (GRCh38, 1-based): chr22:41,146,799, G>A. VCF-style: chr22-41146799-G-A. GRCh37 (hg19) VCF-style: chr22-41542803-G-A.
Other names: c.2054-1038G>A (NM_001362843.2); short protein forms R705Q.
Identifiers: ClinVar variation 4998177 (VCV004998177.1).

ClinVar aggregate classification (germline): Uncertain significance (1 of 4 stars; one submission).

Conditions:
EP300-related disorder. Also called: EP300-related condition; EP300-related disorders.

gnomAD v4.1: 6 of 1,614,028 alleles (0.00037%); highest among the groups gnomAD compares: East Asian, 0.0022%; no homozygotes.

Submission:

PreventionGenetics, part of Exact Sciences
Classification: Uncertain significance for EP300-related condition. Last evaluated: 2025-08-14. Review status: criteria provided, single submitter. Criteria: ACMG Guidelines, 2015. Collection method: clinical testing. Allele origin: germline.
Comment: The EP300 c.2114G>A variant is predicted to result in the amino acid substitution p.Arg705Gln. To our knowledge, this variant has not been reported in the literature or in a large population database (gnomAD), indicating this variant is rare. At this time, the clinical significance of this variant is uncertain due to the absence of conclusive functional and genetic evidence.